The following is an entry in ClinVar:

NM_006206.6(PDGFRA):c.1642A>T (p.Ile548Phe)

Gene: PDGFRA (platelet derived growth factor receptor alpha; plus strand). Cytogenetic location: 4q12.
Variant type: single nucleotide variant.
Coding change: c.1642A>T on transcript NM_006206.6 (MANE Select); coding-DNA position 1642, A replaced by T.
Protein change: p.Ile548Phe; replaces isoleucine 548 with phenylalanine.
Molecular consequence: missense variant.
Genome position (GRCh38, 1-based): chr4:54,274,614, A>T. VCF-style: chr4-54274614-A-T. GRCh37 (hg19) VCF-style: chr4-55140781-A-T.
Other names: c.1642A>T, p.Ile548Phe (NM_001347827.2, NM_001347829.2); c.1717A>T, p.Ile573Phe (NM_001347828.2); c.1681A>T, p.Ile561Phe (NM_001347830.2); short protein forms I548F, I573F, I561F.
Identifiers: ClinVar variation 407371 (VCV000407371.9), dbSNP rs1060501500, ClinGen allele CA16611559.

ClinVar aggregate classification (germline): Uncertain significance (1 of 4 stars; one submission).

Conditions:
Gastrointestinal stromal tumor. Also called: Gastrointestinal stromal tumor, somatic; Gastrointestinal stroma tumor. Identifiers: Orphanet 44890, MedGen C0238198, MeSH D046152, MONDO:0011719, OMIM 606764, HP:0100723.

gnomAD v4.1: 1 of 1,611,330 alleles (0.000062%); highest among the groups gnomAD compares: Non-Finnish European, 0.000085%; no homozygotes.

Submission:

Labcorp Genetics (formerly Invitae), Labcorp
Classification: Uncertain significance for Gastrointestinal stromal tumor. Last evaluated: 2023-09-12. Review status: criteria provided, single submitter. Criteria: Invitae Variant Classification Sherloc (09022015). Collection method: clinical testing. Allele origin: germline.
Comment: This sequence change replaces isoleucine, which is neutral and non-polar, with phenylalanine, which is neutral and non-polar, at codon 548 of the PDGFRA protein (p.Ile548Phe). This variant is not present in population databases (gnomAD no frequency). This variant has not been reported in the literature in individuals affected with PDGFRA-related conditions. ClinVar contains an entry for this variant (Variation ID: 407371). Advanced modeling of protein sequence and biophysical properties (such as structural, functional, and spatial information, amino acid conservation, physicochemical variation, residue mobility, and thermodynamic stability) performed at Invitae indicates that this missense variant is not expected to disrupt PDGFRA protein function. In summary, the available evidence is currently insufficient to determine the role of this variant in disease. Therefore, it has been classified as a Variant of Uncertain Significance.